The following is an entry in ClinVar:

NM_003737.4(DCHS1):c.1117C>T (p.Pro373Ser)

Gene: DCHS1 (dachsous cadherin-related 1; minus strand). Cytogenetic location: 11p15.4.
Variant type: single nucleotide variant.
Coding change: c.1117C>T on transcript NM_003737.4 (MANE Select); coding-DNA position 1117, C replaced by T.
Protein change: p.Pro373Ser; replaces proline 373 with serine.
Molecular consequence: missense variant.
Genome position (GRCh38, 1-based): chr11:6,640,497, G>A on the plus strand (C>T on the coding strand, the complement: DCHS1 is on the minus strand). VCF-style: chr11-6640497-G-A. GRCh37 (hg19) VCF-style: chr11-6661728-G-A.
Other names: short protein forms P373S.
Identifiers: ClinVar variation 4703834 (VCV004703834.1).

ClinVar aggregate classification (germline): Uncertain significance (1 of 4 stars; one submission).

gnomAD v4.1: 2 of 1,613,154 alleles (0.00012%); highest among the groups gnomAD compares: Admixed American, 0.0017%; no homozygotes.

Submission:

Labcorp Genetics (formerly Invitae), Labcorp
Classification: Uncertain significance. Last evaluated: 2026-01-14. Review status: criteria provided, single submitter. Criteria: Invitae Variant Classification Sherloc (09022015). Collection method: clinical testing. Allele origin: germline.
Comment: This sequence change replaces proline, which is neutral and non-polar, with serine, which is neutral and polar, at codon 373 of the DCHS1 protein (p.Pro373Ser). This variant is present in population databases (no rsID available, gnomAD 0.003%). This variant has not been reported in the literature in individuals affected with DCHS1-related conditions. Invitae Evidence Modeling of protein sequence and biophysical properties (such as structural, functional, and spatial information, amino acid conservation, physicochemical variation, residue mobility, and thermodynamic stability) indicates that this missense variant is not expected to disrupt DCHS1 protein function with a negative predictive value of 80%. In summary, the available evidence is currently insufficient to determine the role of this variant in disease. Therefore, it has been classified as a Variant of Uncertain Significance.